The following is an entry in ClinVar:

NM_172351.3(CD46):c.1130T>G (p.Leu377Arg)

Gene: CD46 (CD46 molecule; plus strand). Cytogenetic location: 1q32.2.
Variant type: single nucleotide variant.
Coding change: c.1130T>G on transcript NM_172351.3 (MANE Select); coding-DNA position 1130, T replaced by G.
Protein change: p.Leu377Arg; replaces leucine 377 with arginine.
Molecular consequence: missense variant. On other transcripts: intron variant (7).
Genome position (GRCh38, 1-based): chr1:207,790,300, T>G. VCF-style: chr1-207790300-T-G. GRCh37 (hg19) VCF-style: chr1-207963645-T-G.
Other names: c.1175T>G, p.Leu392Arg (NM_002389.4); c.1085T>G, p.Leu362Arg (NM_172352.3); c.1088T>G, p.Leu363Arg (NM_172355.3); c.1043T>G, p.Leu348Arg (NM_172357.3); c.1128-3219T>G (NM_172359.3); c.1083-3219T>G (NM_153826.4); c.1046-3219T>G (NM_172358.3); c.1041-3219T>G (NM_172356.3); and 3 more; short protein forms L348R, L362R, L363R, L377R, L392R.
Identifiers: ClinVar variation 4291198 (VCV004291198.2).

ClinVar aggregate classification (germline): Uncertain significance (1 of 4 stars; one submission).

Conditions:
Atypical hemolytic-uremic syndrome. Identifiers: Orphanet 2134, MedGen C2931788, MONDO:0016244.

gnomAD v4.1: 1 of 1,598,818 alleles (0.000063%); highest among the groups gnomAD compares: East Asian, 0.0022%; no homozygotes.

Submission:

Genomenon, Inc
Classification: Uncertain significance for Atypical hemolytic-uremic syndrome. Last evaluated: 2026-09-17. Review status: criteria provided, single submitter. Criteria: Genomenon Sequence Variant Interpretation Standards - Updated. Collection method: curation. Allele origin: germline. Affected: no.
Comment: CD46 p.Leu392Arg (c.1175T>G) is a missense variant that changes the amino acid at codon 392 from leucine to arginine. This variant has been reported in the published literature (PMID:12958316;11714708). It is absent or not present at a significant frequency in gnomAD. In silico models predict that this variant is not damaging. In conclusion, we classify CD46 p.Leu392Arg (c.1175T>G) as a variant of uncertain significance.

Literature cited by the submitters: PubMed 12958316; PubMed 11714708.